The following is an entry in ClinVar:

ClinVar aggregate classification (germline): Uncertain significance. Review status: criteria provided, multiple submitters, no conflicts (2 of 4 stars). 2 submissions from 2 submitters: Uncertain significance (2). Last evaluated 2016-08-10.

Conditions:
Dilated cardiomyopathy 1G (CMD1G). Identifiers: Orphanet 154, MedGen C1858763, MONDO:0011400, OMIM 604145.
Autosomal recessive limb-girdle muscular dystrophy type 2J (LGMDR10). Also called: MUSCULAR DYSTROPHY, LIMB-GIRDLE, AUTOSOMAL RECESSIVE 10; Limb-girdle muscular dystrophy, type 2J. Identifiers: Orphanet 140922, MedGen C1837342, MONDO:0012127, OMIM 608807.

Submissions (2):

Labcorp Genetics (formerly Invitae), Labcorp
Classification: Uncertain significance for Dilated cardiomyopathy 1G; Autosomal recessive limb-girdle muscular dystrophy type 2J. Last evaluated: 2016-08-10. Review status: criteria provided, single submitter. Criteria: Invitae Variant Classification Sherloc (09022015). Collection method: clinical testing. Allele origin: germline.

GeneDx
Classification: Uncertain significance. Last evaluated: 2014-03-24. Review status: criteria provided, single submitter. Criteria: GeneDx Variant Classification (06012015). Collection method: clinical testing. Allele origin: germline. Affected: yes.
Comment: Missense variants in the TTN gene are considered 'unclassified' if they are not previously reported in the literature and do not have >1% frequency in the population to be considered a polymorphism. Research indicates that truncating mutations in the TTN gene are expected to account for approximately 25% of familial and 18% of sporadic idiopathic DCM; however, truncating variants in the TTN gene have been reported in approximately 3% of reported control alleles. There has been little investigation into non-truncating variants. (Herman D et al. Truncations of titin causing dilated cardiomyopathy. N Eng J Med 366:619-628, 2012) The variant is found in CARDIOMYOPATHY panel(s).

NM_001267550.2(TTN):c.29048C>T (p.Pro9683Leu)

Gene: TTN (titin; minus strand). Cytogenetic location: 2q31.2.
Variant type: single nucleotide variant.
Coding change: c.29048C>T on transcript NM_001267550.2 (MANE Select); coding-DNA position 29048, C replaced by T.
Protein change: p.Pro9683Leu; replaces proline 9683 with leucine.
Molecular consequence: missense variant. On other transcripts: intron variant (3).
Genome position (GRCh38, 1-based): chr2:178,706,948, G>A on the plus strand (C>T on the coding strand, the complement: TTN is on the minus strand). VCF-style: chr2-178706948-G-A. GRCh37 (hg19) VCF-style: chr2-179571675-G-A.
Other names: p.P9366L:CCA>CTA; c.28097C>T, p.Pro9366Leu (NM_001256850.1); c.25316C>T, p.Pro8439Leu (NM_133378.4); c.13282+31134C>T (NM_003319.4); c.13858+31134C>T (NM_133437.4); c.13657+31134C>T (NM_133432.3); short protein forms P9366L, P9683L, P8439L.
Identifiers: ClinVar variation 202547 (VCV000202547.4), dbSNP rs794729399, ClinGen allele CA309551.
Genomic context (GRCh38, chr2:178,706,948, plus strand): 5'-TCTGACACAAAAAAGAGTCTTCCATCTACCGCAGCTTTCTTGGTTGCTGGGGCCACAGCT[G>A]GTTTGTCTGAAAAAACATTTACATGTTTTGTTACTACAATCACCTCAGAATTACAATACA-3'
Protein context (NP_001254479.2, residues 9673-9693): TKSKVTIKDK[Pro9683Leu]AVAPATKKAA